The following is an entry in ClinVar:

ClinVar aggregate classification (germline): Uncertain significance. Review status: criteria provided, multiple submitters, no conflicts (2 of 4 stars). 3 submissions from 3 submitters: Uncertain significance (3). Last evaluated 2025-06-04.

Conditions:
CTC1-related disorder. Also called: CTC1-related condition.
Dyskeratosis congenita. Identifiers: Orphanet 1775, MedGen C0265965, MONDO:0015780.
Cerebroretinal microangiopathy with calcifications and cysts 1 (CRMCC1). Identifiers: Orphanet 313838, MedGen C4552029, MONDO:0024564, OMIM 612199.

Allele frequency attached by ClinVar (database versions not stated): TOPMed 0.00002; gnomAD 0.00003.
gnomAD v4.1: 21 of 1,613,976 alleles (0.0013%); highest among the groups gnomAD compares: Middle Eastern, 0.016%; no homozygotes.

Submissions (3):

Labcorp Genetics (formerly Invitae), Labcorp
Classification: Uncertain significance for Dyskeratosis congenita. Last evaluated: 2025-06-04. Review status: criteria provided, single submitter. Criteria: Invitae Variant Classification Sherloc (09022015). Collection method: clinical testing. Allele origin: germline.
Comment: This sequence change replaces arginine, which is basic and polar, with glutamine, which is neutral and polar, at codon 818 of the CTC1 protein (p.Arg818Gln). This variant is present in population databases (rs772328631, gnomAD 0.003%). This variant has not been reported in the literature in individuals affected with CTC1-related conditions. ClinVar contains an entry for this variant (Variation ID: 803319). Invitae Evidence Modeling of protein sequence and biophysical properties (such as structural, functional, and spatial information, amino acid conservation, physicochemical variation, residue mobility, and thermodynamic stability) has been performed for this missense variant. However, the output from this modeling did not meet the statistical confidence thresholds required to predict the impact of this variant on CTC1 protein function. In summary, the available evidence is currently insufficient to determine the role of this variant in disease. Therefore, it has been classified as a Variant of Uncertain Significance.

PreventionGenetics, part of Exact Sciences
Classification: Uncertain significance for CTC1-related condition. Last evaluated: 2025-02-06. Review status: criteria provided, single submitter. Criteria: ACMG Guidelines, 2015. Collection method: clinical testing. Allele origin: germline.
Comment: The CTC1 c.2453G>A variant is predicted to result in the amino acid substitution p.Arg818Gln. To our knowledge, this variant has not been reported in the literature. This variant is reported in 0.0057% of alleles in individuals of Latino descent in gnomAD. At this time, the clinical significance of this variant is uncertain due to the absence of conclusive functional and genetic evidence.

Mendelics
Classification: Uncertain significance for Cerebroretinal microangiopathy with calcifications and cysts 1. Last evaluated: 2019-05-28. Review status: criteria provided, single submitter. Criteria: Mendelics Assertion Criteria 2017. Collection method: clinical testing. Allele origin: unknown.

NM_025099.6(CTC1):c.2453G>A (p.Arg818Gln)

Gene: CTC1 (CST telomere replication complex component 1; minus strand). Cytogenetic location: 17p13.1.
Variant type: single nucleotide variant.
Coding change: c.2453G>A on transcript NM_025099.6 (MANE Select); coding-DNA position 2453, G replaced by A.
Protein change: p.Arg818Gln; replaces arginine 818 with glutamine.
Molecular consequence: missense variant. On other transcripts: non-coding transcript variant (1).
Genome position (GRCh38, 1-based): chr17:8,231,748, C>T on the plus strand (G>A on the coding strand, the complement: CTC1 is on the minus strand). VCF-style: chr17-8231748-C-T. GRCh37 (hg19) VCF-style: chr17-8135066-C-T.
Other names: c.2453G>A (NM_025099.5); short protein forms R818Q.
Identifiers: ClinVar variation 803319 (VCV000803319.6), dbSNP rs772328631, ClinGen allele CA8372080.